The following is an entry in ClinVar:

ClinVar aggregate classification (germline): Pathogenic (1 of 4 stars; one submission).

Conditions:
Mucopolysaccharidosis type 6 (MPS6). Also called: ARSB DEFICIENCY; ARYLSULFATASE B DEFICIENCY; N-ACETYLGALACTOSAMINE-4-SULFATASE DEFICIENCY; MPS 6; Maroteaux Lamy syndrome; MPS VI. Identifiers: Orphanet 583, MedGen C0026709, MONDO:0009661, OMIM 253200.

gnomAD v4.1: 1 of 1,613,066 alleles (0.000062%); no homozygotes.

Submission:

Labcorp Genetics (formerly Invitae), Labcorp
Classification: Pathogenic for Mucopolysaccharidosis type 6. Last evaluated: 2022-05-04. Review status: criteria provided, single submitter. Criteria: Invitae Variant Classification Sherloc (09022015). Collection method: clinical testing. Allele origin: germline.
Comment: This sequence change affects an acceptor splice site in intron 5 of the ARSB gene. RNA analysis indicates that disruption of this splice site induces altered splicing and may result in an absent or disrupted protein product. This variant is not present in population databases (gnomAD no frequency). For these reasons, this variant has been classified as Pathogenic. Disruption of this splice site has been observed in individual(s) with Mucopolysaccharidosis type VI (PMID: 17458871, 32075597). In at least one individual the data is consistent with being in trans (on the opposite chromosome) from a pathogenic variant. Studies have shown that disruption of this splice site results in skipping of exon 6 and introduces a premature termination codon (PMID: 18406185). The resulting mRNA is expected to undergo nonsense-mediated decay.

Literature cited by the submitters: PubMed 17458871; PubMed 32075597; PubMed 18406185.

NM_000046.5(ARSB):c.1143-1G>T

Gene: ARSB (arylsulfatase B; minus strand). Cytogenetic location: 5q14.1.
Variant type: single nucleotide variant.
Coding change: c.1143-1G>T on transcript NM_000046.5 (MANE Select); the canonical splice acceptor site of the intron before coding-DNA position 1143, G replaced by T.
Molecular consequence: splice acceptor variant.
Genome position (GRCh38, 1-based): chr5:78,839,427, C>A on the plus strand (G>T on the coding strand, the complement: ARSB is on the minus strand). VCF-style: chr5-78839427-C-A. GRCh37 (hg19) VCF-style: chr5-78135250-C-A.
Other names: c.1143-1G>T (NM_198709.3).
Identifiers: ClinVar variation 2133456 (VCV002133456.4), dbSNP rs431905495, ClinGen allele CA360338746.